The following is an entry in ClinVar:

NM_002971.6(SATB1):c.1044C>G (p.Asn348Lys)

Gene: SATB1 (SATB homeobox 1; minus strand). Cytogenetic location: 3p24.3.
Variant type: single nucleotide variant.
Coding change: c.1044C>G on transcript NM_002971.6 (MANE Select); coding-DNA position 1044, C replaced by G.
Protein change: p.Asn348Lys; replaces asparagine 348 with lysine.
Molecular consequence: missense variant.
Genome position (GRCh38, 1-based): chr3:18,394,624, G>C on the plus strand (C>G on the coding strand, the complement: SATB1 is on the minus strand). VCF-style: chr3-18394624-G-C. GRCh37 (hg19) VCF-style: chr3-18436116-G-C.
Other names: c.1044C>G, p.Asn348Lys (NM_001131010.4, NM_001195470.3, NM_001322871.2 and 4 more transcripts); c.828C>G, p.Asn276Lys (NM_001322876.2); short protein forms N276K, N348K.
Identifiers: ClinVar variation 4538676 (VCV004538676.1).
Genomic context (GRCh38, chr3:18,394,624, plus strand): 5'-GTTGGTCGAAACCTGTTGCTCCAAAGGCTTATTCATAGATCTACTGACAGGGGGAGGGTG[G>C]TTCAAGTATTGTTGGTTTAAGGACTGCTGGGCTAAAAGTCTATTCACTGCATACTGCTGG-3'
Protein context (NP_002962.1, residues 338-358): AQQSLNQQYL[Asn348Lys]HPPPVSRSMN

ClinVar aggregate classification (germline): Uncertain significance (1 of 4 stars; one submission).

Submission:

GeneDx
Classification: Uncertain significance. Last evaluated: 2025-06-16. Review status: criteria provided, single submitter. Criteria: GeneDx Variant Classification Process June 2021. Collection method: clinical testing. Allele origin: germline. Affected: yes.
Comment: Not observed at significant frequency in large population cohorts (gnomAD); In silico analysis supports that this missense variant has a deleterious effect on protein structure/function; Has not been previously published as pathogenic or benign to our knowledge